The following is an entry in ClinVar:

ClinVar aggregate classification (germline): Uncertain significance (1 of 4 stars; one submission).

Submission:

Labcorp Genetics (formerly Invitae), Labcorp
Classification: Uncertain significance. Last evaluated: 2022-08-20. Review status: criteria provided, single submitter. Criteria: Invitae Variant Classification Sherloc (09022015). Collection method: clinical testing. Allele origin: germline.
Comment: In summary, the available evidence is currently insufficient to determine the role of this variant in disease. Therefore, it has been classified as a Variant of Uncertain Significance. This variant has not been reported in the literature in individuals affected with FLNB-related conditions. This variant is not present in population databases (gnomAD no frequency). This variant, c.2295_2297dup, results in the insertion of 1 amino acid(s) of the FLNB protein (p.Thr766dup), but otherwise preserves the integrity of the reading frame.

NM_001457.4(FLNB):c.2295_2297dup (p.Thr766_Val767insThr)

Gene: FLNB (filamin B; plus strand). Cytogenetic location: 3p14.3.
Variant type: Duplication.
Coding change: c.2295_2297dup on transcript NM_001457.4 (MANE Select); coding-DNA positions 2295 to 2297, 3 bases duplicated (CAC; older notation c.2295_2297dupCAC).
Protein change: p.Thr766_Val767insThr.
Molecular consequence: inframe insertion.
Genome position (GRCh38, 1-based): chr3:58,109,671-58,109,673, CAC duplicated. VCF-style (leftmost placement, unchanged base first): chr3-58109670-T-TCAC. GRCh37 (hg19) VCF-style: chr3-58095397-T-TCAC.
Other names: c.2295_2297dup, p.Thr766_Val767insThr (NM_001164317.2, NM_001164318.2, NM_001164319.2).
Identifiers: ClinVar variation 2025325 (VCV002025325.4), dbSNP rs2471085397, ClinGen allele CA2580070380.
Genomic context (GRCh38, chr3:58,109,670, plus strand): 5'-TCAAAGTGTTTGGGCCAGGTGTGGAGAGAAGTGGTCTGAAGGCAAATGAACCTACACACT[T>TCAC]CACGGTGGACTGTACTGAGGCTGGGGAAGGTGAGAAAGGGCTTTGTTCAACCCAGTGATC-3'